The following is an entry in ClinVar:

ClinVar aggregate classification (germline): Conflicting classifications of pathogenicity. Review status: criteria provided, conflicting classifications (1 of 4 stars). 10 submissions from 10 submitters: Likely pathogenic (1); Uncertain significance (5); Likely benign (1). 3 of the submissions do not count toward it. Last evaluated 2026-05-27.

Conditions:
Retinal dystrophy. Also called: Inherited retinal dystrophy. Identifiers: Orphanet 71862, MedGen C0854723, MeSH D058499, MONDO:0019118, HP:0000556.
Retinitis pigmentosa (RP). Identifiers: Orphanet 791, MedGen C0035334, MeSH D012174, MONDO:0019200, OMIM 268000. Inheritance: Autosomal dominant, autosomal recessive and X linked inheritance.
EYS-related disorder. Also called: EYS-related condition.
Retinitis pigmentosa 25 (RP25). Identifiers: Orphanet 791, MedGen C1864446, MONDO:0011272, OMIM 602772.

Allele frequency attached by ClinVar (database versions not stated): gnomAD 0.00001 and 0.00015; TOPMed 0.00002; gnomAD exomes 0.00031 and 0.00075; 1000 Genomes Project 30x 0.00078; 1000 Genomes Project 0.00080; ExAC 0.00143.
gnomAD v4.1: 471 of 1,551,638 alleles (0.03%); highest among the groups gnomAD compares: South Asian, 0.52%; 3 homozygotes.

Submissions (10):

PreventionGenetics, part of Exact Sciences
Classification: Uncertain significance for EYS-related condition. Last evaluated: 2026-05-27. Review status: criteria provided, single submitter. Criteria: ACMG Guidelines, 2015. Collection method: clinical testing. Allele origin: germline.
Comment: The EYS c.7868G>A variant is predicted to result in the amino acid substitution p.Gly2623Glu. This variant has been reported to segregate with disease when in the compound heterozygous state in a family with retinitis pigmentosa (Figure 4 in Di et al. 2016. PubMed ID: 26787102). This variant has also been reported in unrelated individuals with retinitis pigmentosa who harbored a second variant in the EYS gene (Wang et al. 2017. PubMed ID: 28838317; Cundy et al. 2021. PubMed ID: 32728228; supplementary data, Lin et al. 2024. PubMed ID: 38219857; Suvannaboon et al. 2022. PubMed ID: 36513702; Parveen et al. 2023. PubMed ID: 37322672). However, this variant is reported in 0.50% of alleles in individuals of South Asian descent in gnomAD, which is more common than expected for a pathogenic variant. This variant has been interpreted as both uncertain and likely benign in ClinVar. At this time, we interpret the clinical significance of this variant to be uncertain due to the conflicting functional and genetic evidence.

Labcorp Genetics (formerly Invitae), Labcorp
Classification: Likely benign. Last evaluated: 2026-01-28. Review status: criteria provided, single submitter. Criteria: Invitae Variant Classification Sherloc (09022015). Collection method: clinical testing. Allele origin: germline.

3billion
Classification: Uncertain significance for Retinitis pigmentosa 25. Last evaluated: 2025-02-22. Review status: criteria provided, single submitter. Criteria: ACMG Guidelines, 2015. Collection method: clinical testing. Allele origin: germline. Affected: yes.
Comment: The variant is observed at an extremely low frequency in the gnomAD v4.1.0 dataset (total allele frequency: 0.030%). Predicted Consequence/Location: Missense variant. However, The majority of the known disease-causing variants of this gene are variants expected to result in premature termination of the protein. In silico tool predictions suggest damaging effect of the variant on gene or gene product [REVEL: 0.72 (>=0.6, sensitivity 0.68 and specificity 0.92)] and to alter splicing and produce an abnormal transcript [SpliceAI: 0.57 (>=0.2, moderate evidence for spliceogenicity)]. The variant has been reported with conflicting classifications of pathogenicity of uncertain significanceand likely benign (ClinVar ID: VCV000556919). The variant has been reported in similarly affected individuals (PMID: 28838317‚ 26787102) Therefore, this variant is classified as VUS according to the recommendation of ACMG/AMP guideline.

Blueprint Genetics
Classification: Likely pathogenic for EYS-related disorders. Last evaluated: 2024-07-03. Review status: criteria provided, single submitter. Criteria: ACMG Guidelines, 2015. Collection method: clinical testing. Allele origin: germline. Affected: yes. Observed: 5 variant alleles.

Institute of Human Genetics, Univ. Regensburg, Univ. Regensburg
Classification: Uncertain significance for Retinal dystrophy. Last evaluated: 2023-01-01. Review status: criteria provided, single submitter. Criteria: ACMG Guidelines, 2015. Collection method: clinical testing. Allele origin: germline. Affected: yes.

Genome-Nilou Lab
Classification: Uncertain significance for Retinitis pigmentosa 25. Last evaluated: 2021-07-14. Review status: criteria provided, single submitter. Criteria: ACMG Guidelines, 2015. Collection method: clinical testing. Allele origin: germline. Affected: no.

Department of Pathology and Laboratory Medicine, Sinai Health System
Classification: Uncertain significance for Retinitis pigmentosa 25. Last evaluated: 2020-05-14. Review status: criteria provided, single submitter. Criteria: ACMG Guidelines, 2015. Collection method: research. Allele origin: germline.

Gen-Eye Clinic, Grow Research Laboratory, Narayana Nethralaya
Classification: Uncertain significance for Retinitis pigmentosa. Last evaluated: 2025-04-09. Review status: no assertion criteria provided. Collection method: clinical testing. Allele origin: germline. Affected: yes. Not counted in ClinVar's aggregate classification.

Counsyl
Classification: Uncertain significance for Retinitis pigmentosa 25. Last evaluated: 2018-02-27. Review status: no assertion criteria provided. Collection method: clinical testing. Allele origin: unknown. Not counted in ClinVar's aggregate classification.

Kasturba Medical College, Manipal, Kasturba Medical College, Manipal, Manipal Academy of Higher Education, Manipal, India
Classification: Uncertain significance for Retinitis pigmentosa 25. Review status: no assertion criteria provided. Collection method: research. Allele origin: germline. Affected: yes. Not counted in ClinVar's aggregate classification.

Literature cited by the submitters: PubMed 26787102 (cited by Institute of Human Genetics, Univ. Regensburg, Univ. Regensburg and Counsyl); PubMed 32728228 (cited by Institute of Human Genetics, Univ. Regensburg, Univ. Regensburg and Gen-Eye Clinic, Grow Research Laboratory, Narayana Nethralaya); PubMed 34426522 (cited by Institute of Human Genetics, Univ. Regensburg, Univ. Regensburg); PubMed 28838317 (cited by Counsyl).

NM_001142800.2(EYS):c.7868G>A (p.Gly2623Glu)

Gene: EYS (EGF-like photoreceptor maintenance factor; minus strand). Cytogenetic location: 6q12.
Variant type: single nucleotide variant.
Coding change: c.7868G>A on transcript NM_001142800.2 (MANE Select); coding-DNA position 7868, G replaced by A.
Protein change: p.Gly2623Glu; replaces glycine 2623 with glutamic acid.
Molecular consequence: missense variant.
Genome position (GRCh38, 1-based): chr6:63,778,036, C>T on the plus strand (G>A on the coding strand, the complement: EYS is on the minus strand). VCF-style: chr6-63778036-C-T. GRCh37 (hg19) VCF-style: chr6-64487929-C-T.
Other names: c.7868G>A, p.Gly2623Glu (NM_001292009.2); short protein forms G2623E.
Identifiers: ClinVar variation 556919 (VCV000556919.27), dbSNP rs559824825, ClinGen allele CA3876771.